The following is an entry in ClinVar:

NM_001372044.2(SHANK3):c.2261C>T (p.Pro754Leu)

Gene: SHANK3 (SH3 and multiple ankyrin repeat domains 3; plus strand). Cytogenetic location: 22q13.33.
Variant type: single nucleotide variant.
Coding change: c.2261C>T on transcript NM_001372044.2 (MANE Select); coding-DNA position 2261, C replaced by T.
Protein change: p.Pro754Leu; replaces proline 754 with leucine.
Molecular consequence: missense variant.
Genome position (GRCh38, 1-based): chr22:50,706,078, C>T. VCF-style: chr22-50706078-C-T. GRCh37 (hg19) VCF-style: chr22-51144506-C-T.
Other names: c.2036C>T, p.Pro679Leu (NM_033517.1); short protein forms P679L, P754L.
Identifiers: ClinVar variation 588539 (VCV000588539.5), dbSNP rs1257874744, ClinGen allele CA515257128.

ClinVar aggregate classification (germline): Uncertain significance (1 of 4 stars; one submission).

Conditions:
Inborn genetic diseases. Identifiers: MedGen C0950123, MeSH D030342.

Allele frequency attached by ClinVar (database versions not stated): TOPMed below 0.00001; gnomAD exomes 0.00001.

Submission:

Ambry Genetics
Classification: Uncertain significance for Inborn genetic diseases. Last evaluated: 2016-12-12. Review status: criteria provided, single submitter. Criteria: Ambry Variant Classification Scheme 2023. Collection method: clinical testing. Allele origin: germline.
Comment: The p.P679L variant (also known as c.2036C>T), located in coding exon 17 of the SHANK3 gene, results from a C to T substitution at nucleotide position 2036. The proline at codon 679 is replaced by leucine, an amino acid with similar properties. This nucleotide position is highly conserved in available vertebrate species. Since supporting evidence is limited at this time, the clinical significance of this variant remains unclear.